The following is an entry in ClinVar:

NM_000257.4(MYH7):c.2736G>T (p.Lys912Asn)

Gene: MYH7 (myosin heavy chain 7; minus strand). Cytogenetic location: 14q11.2.
Variant type: single nucleotide variant.
Coding change: c.2736G>T on transcript NM_000257.4 (MANE Select); coding-DNA position 2736, G replaced by T.
Protein change: p.Lys912Asn; replaces lysine 912 with asparagine.
Molecular consequence: missense variant.
Genome position (GRCh38, 1-based): chr14:23,424,093, C>A on the plus strand (G>T on the coding strand, the complement: MYH7 is on the minus strand). VCF-style: chr14-23424093-C-A. GRCh37 (hg19) VCF-style: chr14-23893302-C-A.
Other names: c.2736G>T (LRG_384t1); short protein forms K912N.
Identifiers: ClinVar variation 520381 (VCV000520381.12), dbSNP rs1555337597, ClinGen allele CA389047222.
Genomic context (GRCh38, chr14:23,424,093, plus strand): 5'-CATCTCCTCCTCATCCTCCAGCCTCTCGTTCATCTCCTTCACCTTGGCCTCCAGCTGAAT[C>A]TTGTTTTTGATCAGCTGATCACAGCGCTCCTCAGCATCTGCCAGGTTGTCTTGTTCCTGA-3'
Protein context (NP_000248.2, residues 902-922): EERCDQLIKN[Lys912Asn]IQLEAKVKEM

ClinVar aggregate classification (germline): Uncertain significance. Review status: criteria provided, multiple submitters, no conflicts (2 of 4 stars). 2 submissions from 2 submitters: Uncertain significance (2). Last evaluated 2023-12-04.

Conditions:
Hypertrophic cardiomyopathy. Also called: HYPERTROPHIC MYOCARDIOPATHY. Identifiers: Orphanet 217569, MedGen C0007194, MeSH D002312, MONDO:0005045, HP:0001639.
Cardiovascular phenotype. Identifiers: MedGen CN230736.

Submissions (2):

Labcorp Genetics (formerly Invitae), Labcorp
Classification: Uncertain significance for Hypertrophic cardiomyopathy. Last evaluated: 2023-12-04. Review status: criteria provided, single submitter. Criteria: Invitae Variant Classification Sherloc (09022015). Collection method: clinical testing. Allele origin: germline.
Comment: This sequence change replaces lysine, which is basic and polar, with asparagine, which is neutral and polar, at codon 912 of the MYH7 protein (p.Lys912Asn). This variant is not present in population databases (gnomAD no frequency). This missense change has been observed in individual(s) with hypertrophic cardiomyopathy (PMID: 28815794). ClinVar contains an entry for this variant (Variation ID: 520381). Advanced modeling of protein sequence and biophysical properties (such as structural, functional, and spatial information, amino acid conservation, physicochemical variation, residue mobility, and thermodynamic stability) performed at Invitae indicates that this missense variant is expected to disrupt MYH7 protein function with a positive predictive value of 95%. In summary, the available evidence is currently insufficient to determine the role of this variant in disease. Therefore, it has been classified as a Variant of Uncertain Significance.

Ambry Genetics
Classification: Uncertain significance for Cardiovascular phenotype. Last evaluated: 2017-10-31. Review status: criteria provided, single submitter. Criteria: Ambry Variant Classification Scheme 2023. Collection method: clinical testing. Allele origin: germline.
Comment: The p.K912N variant (also known as c.2736G>T), located in coding exon 21 of the MYH7 gene, results from a G to T substitution at nucleotide position 2736. The lysine at codon 912 is replaced by asparagine, an amino acid with similar properties. This alteration and close match p.K912Q have each been reported one time in separate individuals from a hypertrophic cardiomyopathy cohort; however, clinical details were limited (Zigova M et al. J. Clin. Lab. Anal., 2017 Aug;[Epub ahead of print]).This amino acid position is highly conserved in available vertebrate species. In addition, the in silico prediction for this alteration is inconclusive. Since supporting evidence is limited at this time, the clinical significance of this alteration remains unclear.

Literature cited by the submitters: PubMed 28815794 (cited by Labcorp Genetics (formerly Invitae), Labcorp and Ambry Genetics).